The following is an entry in ClinVar:

NM_006269.2(RP1):c.424G>T (p.Val142Leu)

Gene: RP1 (RP1 axonemal microtubule associated; plus strand). Cytogenetic location: 8q12.1.
Variant type: single nucleotide variant.
Coding change: c.424G>T on transcript NM_006269.2 (MANE Select); coding-DNA position 424, G replaced by T.
Protein change: p.Val142Leu; replaces valine 142 with leucine.
Molecular consequence: missense variant.
Genome position (GRCh38, 1-based): chr8:54,621,390, G>T. VCF-style: chr8-54621390-G-T. GRCh37 (hg19) VCF-style: chr8-55533950-G-T.
Other names: c.424G>T, p.Val142Leu (NM_001375654.1); c.424G>T (NM_006269.1); short protein forms V142L.
Identifiers: ClinVar variation 1077799 (VCV001077799.11), dbSNP rs367600337, ClinGen allele CA4751157.

ClinVar aggregate classification (germline): Likely benign. Review status: criteria provided, multiple submitters, no conflicts (2 of 4 stars). 3 submissions from 3 submitters: Likely benign (2). 1 of the submissions does not count toward it. Last evaluated 2025-03-10.

Conditions:
RP1-related disorder. Also called: RP1-related condition.

Allele frequency attached by ClinVar (database versions not stated): gnomAD 0.00003; 1000 Genomes Project 30x 0.00047; 1000 Genomes Project 0.00060.
gnomAD v4.1: 157 of 1,612,240 alleles (0.0097%); highest among the groups gnomAD compares: South Asian, 0.14%; 3 homozygotes.

Submissions (3):

Labcorp Genetics (formerly Invitae), Labcorp
Classification: Likely benign. Last evaluated: 2025-03-10. Review status: criteria provided, single submitter. Criteria: Invitae Variant Classification Sherloc (09022015). Collection method: clinical testing. Allele origin: germline.

Blueprint Genetics
Classification: Likely benign. Last evaluated: 2024-11-15. Review status: criteria provided, single submitter. Criteria: ACMG Guidelines, 2015. Collection method: clinical testing. Allele origin: germline.

PreventionGenetics, part of Exact Sciences
Classification: Likely benign for RP1-related condition. Last evaluated: 2024-05-30. Review status: no assertion criteria provided. Collection method: clinical testing. Allele origin: germline. Not counted in ClinVar's aggregate classification.
Comment: This variant is classified as likely benign based on ACMG/AMP sequence variant interpretation guidelines (Richards et al. 2015 PMID: 25741868, with internal and published modifications).